The following is an entry in ClinVar:

NM_003846.3(PEX11B):c.691G>A (p.Gly231Ser)

Gene: PEX11B (peroxisomal biogenesis factor 11 beta; minus strand). Cytogenetic location: 1q21.1.
Variant type: single nucleotide variant.
Coding change: c.691G>A on transcript NM_003846.3 (MANE Select); coding-DNA position 691, G replaced by A.
Protein change: p.Gly231Ser; replaces glycine 231 with serine.
Molecular consequence: missense variant. On other transcripts: non-coding transcript variant (3).
Genome position (GRCh38, 1-based): chr1:145,912,250, C>T on the plus strand (G>A on the coding strand, the complement: PEX11B is on the minus strand). VCF-style: chr1-145912250-C-T. GRCh37 (hg19) VCF-style: chr1-145522830-G-A.
Other names: c.649G>A, p.Gly217Ser (NM_001184795.1); short protein forms G217S, G231S.
Identifiers: ClinVar variation 2050803 (VCV002050803.4), dbSNP rs781851921, ClinGen allele CA342120501.
Genomic context (GRCh38, chr1:145,912,250, plus strand): 5'-TTAGGGTGAGAATAGACAGGATGGAGGACACGAGGCCACAAAGCCCCACAATCCCAGGGC[C>T]ACAGCGCCAGAGGCCTAGTTTGTCCAGAGGAATGAAGAGATCACAGGCATTTCTGACCAC-3'
Protein context (NP_003837.1, residues 221-241): PLDKLGLWRC[Gly231Ser]PGIVGLCGLV

ClinVar aggregate classification (germline): Uncertain significance (1 of 4 stars; one submission).

Submission:

Labcorp Genetics (formerly Invitae), Labcorp
Classification: Uncertain significance. Last evaluated: 2024-12-10. Review status: criteria provided, single submitter. Criteria: Invitae Variant Classification Sherloc (09022015). Collection method: clinical testing. Allele origin: germline.
Comment: This sequence change replaces glycine, which is neutral and non-polar, with serine, which is neutral and polar, at codon 231 of the PEX11B protein (p.Gly231Ser). This variant is not present in population databases (gnomAD no frequency). This variant has not been reported in the literature in individuals affected with PEX11B-related conditions. ClinVar contains an entry for this variant (Variation ID: 2050803). An algorithm developed to predict the effect of missense changes on protein structure and function (PolyPhen-2) suggests that this variant is likely to be tolerated. In summary, the available evidence is currently insufficient to determine the role of this variant in disease. Therefore, it has been classified as a Variant of Uncertain Significance.